The following is an entry in ClinVar:

ClinVar aggregate classification (germline): Uncertain significance (1 of 4 stars; one submission).

Conditions:
Autosomal recessive limb-girdle muscular dystrophy type R18 (LGMDR18). Also called: Limb-girdle muscular dystrophy, type 2S; Autosomal recessive limb-girdle muscular dystrophy type 2S; MUSCULAR DYSTROPHY, LIMB-GIRDLE, AUTOSOMAL RECESSIVE 18. Identifiers: Orphanet 369840, MedGen C4517996, MONDO:0014144, OMIM 615356.

Allele frequency attached by ClinVar (database versions not stated): gnomAD exomes below 0.00001; TOPMed 0.00001; gnomAD 0.00002.
gnomAD v4.1: 8 of 1,612,888 alleles (0.0005%); highest among the groups gnomAD compares: African/African-American, 0.0093%; no homozygotes.

Submission:

Labcorp Genetics (formerly Invitae), Labcorp
Classification: Uncertain significance for Autosomal recessive limb-girdle muscular dystrophy type R18. Last evaluated: 2022-05-04. Review status: criteria provided, single submitter. Criteria: Invitae Variant Classification Sherloc (09022015). Collection method: clinical testing. Allele origin: germline.
Comment: This sequence change replaces tyrosine, which is neutral and polar, with cysteine, which is neutral and slightly polar, at codon 842 of the TRAPPC11 protein (p.Tyr842Cys). This variant is present in population databases (rs551102193, gnomAD 0.01%). This variant has not been reported in the literature in individuals affected with TRAPPC11-related conditions. Algorithms developed to predict the effect of missense changes on protein structure and function (SIFT, PolyPhen-2, Align-GVGD) all suggest that this variant is likely to be disruptive. In summary, the available evidence is currently insufficient to determine the role of this variant in disease. Therefore, it has been classified as a Variant of Uncertain Significance.

NM_021942.6(TRAPPC11):c.2525A>G (p.Tyr842Cys)

Gene: TRAPPC11 (trafficking protein particle complex subunit 11; plus strand). Cytogenetic location: 4q35.1.
Variant type: single nucleotide variant.
Coding change: c.2525A>G on transcript NM_021942.6 (MANE Select); coding-DNA position 2525, A replaced by G.
Protein change: p.Tyr842Cys; replaces tyrosine 842 with cysteine.
Molecular consequence: missense variant.
Genome position (GRCh38, 1-based): chr4:183,694,620, A>G. VCF-style: chr4-183694620-A-G. GRCh37 (hg19) VCF-style: chr4-184615773-A-G.
Other names: c.2525A>G, p.Tyr842Cys (NM_199053.3); short protein forms Y842C.
Identifiers: ClinVar variation 1440788 (VCV001440788.5), dbSNP rs551102193, ClinGen allele CA111859267.